The following is an entry in ClinVar:

NM_000454.5(SOD1):c.148G>A (p.Glu50Lys)

Gene: SOD1 (superoxide dismutase 1; plus strand). Cytogenetic location: 21q22.11.
Variant type: single nucleotide variant.
Coding change: c.148G>A on transcript NM_000454.5 (MANE Select); coding-DNA position 148, G replaced by A.
Protein change: p.Glu50Lys; replaces glutamic acid 50 with lysine.
Molecular consequence: missense variant.
Genome position (GRCh38, 1-based): chr21:31,663,865, G>A. VCF-style: chr21-31663865-G-A. GRCh37 (hg19) VCF-style: chr21-33036178-G-A.
Other names: short protein forms E50K.
Identifiers: ClinVar variation 658902 (VCV000658902.9), dbSNP rs1568809178, ClinGen allele CA410036759.

ClinVar aggregate classification (germline): Uncertain significance. Review status: criteria provided, single submitter (1 of 4 stars). 2 submissions from 2 submitters: Uncertain significance (1). 1 of the submissions does not count toward it. Last evaluated 2024-08-03.

Conditions:
SOD1-related disorder. Also called: SOD1-related condition.
Amyotrophic lateral sclerosis type 1 (ALS1). Also called: AMYOTROPHIC LATERAL SCLEROSIS 1, FAMILIAL. Identifiers: Orphanet 803, MedGen C1862939, MONDO:0007103, OMIM 105400.

Allele frequency attached by ClinVar (database versions not stated): gnomAD exomes below 0.00001.

Submissions (2):

Labcorp Genetics (formerly Invitae), Labcorp
Classification: Uncertain significance for Amyotrophic lateral sclerosis type 1. Last evaluated: 2024-08-03. Review status: criteria provided, single submitter. Criteria: Invitae Variant Classification Sherloc (09022015). Collection method: clinical testing. Allele origin: germline.
Comment: This sequence change replaces glutamic acid, which is acidic and polar, with lysine, which is basic and polar, at codon 50 of the SOD1 protein (p.Glu50Lys). This variant is present in population databases (no rsID available, gnomAD 0.0009%). This missense change has been observed in individual(s) with amyotrophic lateral sclerosis (PMID: 9706719, 22292843). This variant is also known as Glu49Lys. ClinVar contains an entry for this variant (Variation ID: 658902). Advanced modeling of protein sequence and biophysical properties (such as structural, functional, and spatial information, amino acid conservation, physicochemical variation, residue mobility, and thermodynamic stability) performed at Invitae indicates that this missense variant is expected to disrupt SOD1 protein function with a positive predictive value of 95%. Experimental studies have shown that this missense change affects SOD1 function (PMID: 23280792). In summary, the available evidence is currently insufficient to determine the role of this variant in disease. Therefore, it has been classified as a Variant of Uncertain Significance.

PreventionGenetics, part of Exact Sciences
Classification: Likely pathogenic for SOD1-related condition. Last evaluated: 2024-08-09. Review status: no assertion criteria provided. Collection method: clinical testing. Allele origin: germline. Not counted in ClinVar's aggregate classification.
Comment: The SOD1 c.148G>A variant is predicted to result in the amino acid substitution p.Glu50Lys. This variant, also described as p.Glu49Lys, has been reported in two individuals with amyotrophic lateral sclerosis (Boukaftane et al. 1998. PubMed ID: 9706719; Brown et al. 2012. PubMed ID: 22292843). An in vitro functional study demonstrates that expression of this variant interacts with Derlin-1, which results in the disruption of the endoplasmic reticulum-associated degradation (ERAD) pathway (Fujisawa et al. 2012. PubMed ID: 23280792). This variant is reported in one individual (0.00088% of alleles) of European (non-Finnish) descent in gnomAD. This variant is interpreted as likely pathogenic.

Literature cited by the submitters: PubMed 9706719 (cited by Labcorp Genetics (formerly Invitae), Labcorp); PubMed 22292843 (cited by Labcorp Genetics (formerly Invitae), Labcorp); PubMed 23280792 (cited by Labcorp Genetics (formerly Invitae), Labcorp).